The following is an entry in ClinVar:

NM_004247.4(EFTUD2):c.2591C>T (p.Pro864Leu)

Gene: EFTUD2 (elongation factor Tu GTP binding domain containing 2; minus strand). Cytogenetic location: 17q21.31.
Variant type: single nucleotide variant.
Coding change: c.2591C>T on transcript NM_004247.4 (MANE Select); coding-DNA position 2591, C replaced by T.
Protein change: p.Pro864Leu; replaces proline 864 with leucine.
Molecular consequence: missense variant.
Genome position (GRCh38, 1-based): chr17:44,852,533, G>A on the plus strand (C>T on the coding strand, the complement: EFTUD2 is on the minus strand). VCF-style: chr17-44852533-G-A. GRCh37 (hg19) VCF-style: chr17-42929901-G-A.
Other names: c.2591C>T (NM_004247.3); c.2486C>T, p.Pro829Leu (NM_001142605.2); c.2591C>T, p.Pro864Leu (NM_001258353.2); c.2561C>T, p.Pro854Leu (NM_001258354.2); short protein forms P829L, P864L, P854L.
Identifiers: ClinVar variation 1916408 (VCV001916408.6), dbSNP rs146779912, ClinGen allele CA291035998.

ClinVar aggregate classification (germline): Conflicting classifications of pathogenicity. Review status: criteria provided, conflicting classifications (1 of 4 stars). 2 submissions from 2 submitters: Uncertain significance (1); Likely benign (1). Last evaluated 2025-12-15.

Conditions:
Inborn genetic diseases. Identifiers: MedGen C0950123, MeSH D030342.

Allele frequency attached by ClinVar (database versions not stated): gnomAD 0.00001; gnomAD exomes 0.00002; TOPMed 0.00002; ESP Exome Variant Server 0.00008.
gnomAD v4.1: 26 of 1,614,012 alleles (0.0016%); highest among the groups gnomAD compares: Non-Finnish European, 0.0019%; no homozygotes.

Submissions (2):

Ambry Genetics
Classification: Likely benign for Inborn genetic diseases. Last evaluated: 2025-12-15. Review status: criteria provided, single submitter. Criteria: Ambry Variant Classification Scheme 2023. Collection method: clinical testing. Allele origin: germline.

Labcorp Genetics (formerly Invitae), Labcorp
Classification: Uncertain significance. Last evaluated: 2022-10-18. Review status: criteria provided, single submitter. Criteria: Invitae Variant Classification Sherloc (09022015). Collection method: clinical testing. Allele origin: germline.
Comment: This sequence change replaces proline, which is neutral and non-polar, with leucine, which is neutral and non-polar, at codon 864 of the EFTUD2 protein (p.Pro864Leu). This variant is present in population databases (rs146779912, gnomAD 0.0009%). This variant has not been reported in the literature in individuals affected with EFTUD2-related conditions. Advanced modeling of protein sequence and biophysical properties (such as structural, functional, and spatial information, amino acid conservation, physicochemical variation, residue mobility, and thermodynamic stability) performed at Invitae indicates that this missense variant is not expected to disrupt EFTUD2 protein function. In summary, the available evidence is currently insufficient to determine the role of this variant in disease. Therefore, it has been classified as a Variant of Uncertain Significance.